The following is an entry in ClinVar:

NM_194279.4(ISCA2):c.116C>A (p.Ser39Ter)

Gene: ISCA2 (iron-sulfur cluster assembly 2; plus strand). Cytogenetic location: 14q24.3.
Variant type: single nucleotide variant.
Coding change: c.116C>A on transcript NM_194279.4 (MANE Select); coding-DNA position 116, C replaced by A.
Protein change: p.Ser39Ter; replaces serine 39 with a stop codon.
Molecular consequence: nonsense.
Genome position (GRCh38, 1-based): chr14:74,494,094, C>A. VCF-style: chr14-74494094-C-A. GRCh37 (hg19) VCF-style: chr14-74960797-C-A.
Other names: c.116C>A, p.Ser39Ter (NM_001272007.2); short protein forms S39*.
Identifiers: ClinVar variation 1215027 (VCV001215027.3), dbSNP rs779995225, ClinGen allele CA7268266.

ClinVar aggregate classification (germline): Likely pathogenic (1 of 4 stars; one submission).

Allele frequency attached by ClinVar (database versions not stated): gnomAD 0.00002; TOPMed 0.00003.
gnomAD v4.1: 13 of 1,567,380 alleles (0.00083%); highest among the groups gnomAD compares: Non-Finnish European, 0.0011%; no homozygotes.

Submission:

GeneDx
Classification: Likely pathogenic. Last evaluated: 2021-06-25. Review status: criteria provided, single submitter. Criteria: GeneDx Variant Classification Process June 2021. Collection method: clinical testing. Allele origin: germline. Affected: yes.
Comment: Nonsense variant predicted to result in protein truncation or nonsense mediated decay in a gene for which loss-of-function is a known mechanism of disease; Not observed at significant frequency in large population cohorts (Lek et al., 2016); Has not been previously published as pathogenic or benign to our knowledge; This variant is associated with the following publications: (PMID: 27535533)